The following is an entry in ClinVar:

ClinVar aggregate classification (germline): Conflicting classifications of pathogenicity. Review status: criteria provided, conflicting classifications (1 of 4 stars). 5 submissions from 5 submitters: Uncertain significance (1); Likely benign (4). Last evaluated 2024-10-15.

Conditions:
BRCA2-related cancer predisposition. Identifiers: MedGen CN377758, MONDO:0700269.
Hereditary breast ovarian cancer syndrome. Also called: Hereditary breast and ovarian cancer; Hereditary breast and ovarian cancer syndrome (HBOC); Breast and ovarian cancer; BRCA1- and BRCA2-Associated Hereditary Breast and Ovarian Cancer; Hereditary breast and/or ovarian cancer syndrome; Hereditary breast and ovarian cancer syndrome. Identifiers: Orphanet 145, MedGen C0677776, MeSH D061325, MONDO:0003582. Disease mechanism: loss of function.
Hereditary cancer-predisposing syndrome. Also called: Neoplastic Syndromes, Hereditary; Hereditary neoplastic syndrome; Tumor predisposition; Hereditary Cancer Syndrome. Identifiers: Orphanet 140162, MedGen C0027672, MeSH D009386, MONDO:0015356.

Submissions (5):

Labcorp Genetics (formerly Invitae), Labcorp
Classification: Likely benign for Hereditary breast ovarian cancer syndrome. Last evaluated: 2024-10-15. Review status: criteria provided, single submitter. Criteria: Invitae Variant Classification Sherloc (09022015). Collection method: clinical testing. Allele origin: germline.

All of Us Research Program, National Institutes of Health
Classification: Likely benign for BRCA2-related cancer predisposition. Last evaluated: 2024-04-10. Review status: criteria provided, single submitter. Criteria: ACMG Guidelines, 2015. Collection method: clinical testing. Allele origin: germline. Inheritance: Autosomal dominant inheritance. Observed: 1 variant allele, 1 heterozygote.
Comment: This study involves interpretation of variants in research participants for the purpose of population health screening. Participant phenotype was not available at the time of variant classification. Additional details can be found in publication PMID: 35346344, PMCID: PMC8962531

Ambry Genetics
Classification: Likely benign for Hereditary cancer-predisposing syndrome. Last evaluated: 2020-03-26. Review status: criteria provided, single submitter. Criteria: Ambry Variant Classification Scheme 2023. Collection method: clinical testing. Allele origin: germline.

Color Diagnostics, LLC DBA Color Health
Classification: Likely benign for Hereditary cancer-predisposing syndrome. Last evaluated: 2018-12-03. Review status: criteria provided, single submitter. Criteria: ACMG Guidelines, 2015. Collection method: clinical testing. Allele origin: germline.

Quest Diagnostics Nichols Institute San Juan Capistrano
Classification: Uncertain significance. Last evaluated: 2018-06-20. Review status: criteria provided, single submitter. Criteria: Quest Diagnostics criteria. Collection method: clinical testing. Allele origin: germline.

NM_000059.4(BRCA2):c.5667T>C (p.Ile1889=)

Gene: BRCA2 (BRCA2 DNA repair associated; plus strand). Cytogenetic location: 13q13.1.
Variant type: single nucleotide variant.
Coding change: c.5667T>C on transcript NM_000059.4 (MANE Select); coding-DNA position 5667, T replaced by C.
Protein change: p.Ile1889=; no amino-acid change (isoleucine 1889 retained).
Molecular consequence: synonymous variant.
Genome position (GRCh38, 1-based): chr13:32,340,022, T>C. VCF-style: chr13-32340022-T-C. GRCh37 (hg19) VCF-style: chr13-32914159-T-C.
Identifiers: ClinVar variation 619640 (VCV000619640.17), dbSNP rs1053022395, ClinGen allele CA247510854.